The following is an entry in ClinVar:

NM_000222.3(KIT):c.774A>C (p.Lys258Asn)

Gene: KIT (KIT proto-oncogene, receptor tyrosine kinase; plus strand). Cytogenetic location: 4q12.
Variant type: single nucleotide variant.
Coding change: c.774A>C on transcript NM_000222.3 (MANE Select); coding-DNA position 774, A replaced by C.
Protein change: p.Lys258Asn; replaces lysine 258 with asparagine.
Molecular consequence: missense variant.
Genome position (GRCh38, 1-based): chr4:54,703,741, A>C. VCF-style: chr4-54703741-A-C. GRCh37 (hg19) VCF-style: chr4-55569907-A-C.
Other names: c.774A>C, p.Lys258Asn (NM_001093772.2, NM_001385285.1, NM_001385286.1); c.777A>C, p.Lys259Asn (NM_001385284.1, NM_001385288.1, NM_001385290.1 and 1 more transcripts); short protein forms K258N, K259N.
Identifiers: ClinVar variation 580617 (VCV000580617.9), dbSNP rs755490030, ClinGen allele CA356899295.

ClinVar aggregate classification (germline): Uncertain significance (1 of 4 stars; one submission).

Conditions:
Gastrointestinal stromal tumor. Also called: Gastrointestinal stromal tumor, somatic; Gastrointestinal stroma tumor. Identifiers: Orphanet 44890, MedGen C0238198, MeSH D046152, MONDO:0011719, OMIM 606764, HP:0100723.

Submission:

Labcorp Genetics (formerly Invitae), Labcorp
Classification: Uncertain significance for Gastrointestinal stromal tumor. Last evaluated: 2018-04-25. Review status: criteria provided, single submitter. Criteria: Invitae Variant Classification Sherloc (09022015). Collection method: clinical testing. Allele origin: germline.
Comment: In summary, the available evidence is currently insufficient to determine the role of this variant in disease. Therefore, it has been classified as a Variant of Uncertain Significance. Algorithms developed to predict the effect of missense changes on protein structure and function (SIFT, PolyPhen-2, Align-GVGD) all suggest that this variant is likely to be tolerated, but these predictions have not been confirmed by published functional studies and their clinical significance is uncertain. This variant has not been reported in the literature in individuals with KIT-related disease. This variant is not present in population databases (ExAC no frequency). This sequence change replaces lysine with asparagine at codon 258 of the KIT protein (p.Lys258Asn). The lysine residue is moderately conserved and there is a moderate physicochemical difference between lysine and asparagine.